The following is an entry in ClinVar:

ClinVar aggregate classification (germline): Uncertain significance (1 of 4 stars; one submission).

Submission:

Ambry Genetics
Classification: Uncertain significance. Last evaluated: 2022-01-27. Review status: criteria provided, single submitter. Criteria: Ambry Variant Classification Scheme 2023. Collection method: clinical testing. Allele origin: germline.
Comment: The p.K1791Q variant (also known as c.5371A>C), located in coding exon 5 of the ALPK2 gene, results from an A to C substitution at nucleotide position 5371. The lysine at codon 1791 is replaced by glutamine, an amino acid with similar properties. This amino acid position is conserved. In addition, this alteration is predicted to be tolerated by in silico analysis. Since supporting evidence is limited at this time, the clinical significance of this alteration remains unclear.

NM_052947.4(ALPK2):c.5371A>C (p.Lys1791Gln)

Gene: ALPK2 (alpha kinase 2; minus strand). Cytogenetic location: 18q21.31.
Variant type: single nucleotide variant.
Coding change: c.5371A>C on transcript NM_052947.4 (MANE Select); coding-DNA position 5371, A replaced by C.
Protein change: p.Lys1791Gln; replaces lysine 1791 with glutamine.
Molecular consequence: missense variant.
Genome position (GRCh38, 1-based): chr18:58,529,221, T>G on the plus strand (A>C on the coding strand, the complement: ALPK2 is on the minus strand). VCF-style: chr18-58529221-T-G. GRCh37 (hg19) VCF-style: chr18-56196453-T-G.
Other names: short protein forms K1791Q.
Identifiers: ClinVar variation 1747106 (VCV001747106.2), dbSNP rs2518869660, ClinGen allele CA402554306.